The following is an entry in ClinVar:

NM_020937.4(FANCM):c.4387-6T>C

Gene: FANCM (FA complementation group M; plus strand). Cytogenetic location: 14q21.2.
Variant type: single nucleotide variant.
Coding change: c.4387-6T>C on transcript NM_020937.4 (MANE Select); 6 bases into the intron before coding-DNA position 4387, T replaced by C.
Molecular consequence: intron variant.
Genome position (GRCh38, 1-based): chr14:45,183,768, T>C. VCF-style: chr14-45183768-T-C. GRCh37 (hg19) VCF-style: chr14-45652971-T-C.
Other names: c.4309-6T>C (NM_001308133.2).
Identifiers: ClinVar variation 837440 (VCV000837440.14), dbSNP rs1889209053, ClinGen allele CA916081710.

ClinVar aggregate classification (germline): Uncertain significance. Review status: criteria provided, multiple submitters, no conflicts (2 of 4 stars). 2 submissions from 2 submitters: Uncertain significance (2). Last evaluated 2025-07-28.

Conditions:
Fanconi anemia (FA). Also called: Fanconi's anemia. Identifiers: Orphanet 84, MedGen C0015625, MeSH D005199, MONDO:0019391.

Allele frequency attached by ClinVar (database versions not stated): TOPMed 0.00001.
gnomAD v4.1: 2 of 1,603,298 alleles (0.00012%); no homozygotes.

Submissions (2):

Labcorp Genetics (formerly Invitae), Labcorp
Classification: Uncertain significance for Fanconi anemia. Last evaluated: 2025-07-28. Review status: criteria provided, single submitter. Criteria: Invitae Variant Classification Sherloc (09022015). Collection method: clinical testing. Allele origin: germline.
Comment: This sequence change falls in intron 16 of the FANCM gene. It does not directly change the encoded amino acid sequence of the FANCM protein. This variant is not present in population databases (gnomAD no frequency). This variant has not been reported in the literature in individuals affected with FANCM-related conditions. ClinVar contains an entry for this variant (Variation ID: 837440). Algorithms developed to predict the effect of sequence changes on RNA splicing suggest that this variant may disrupt the consensus splice site. In summary, the available evidence is currently insufficient to determine the role of this variant in disease. Therefore, it has been classified as a Variant of Uncertain Significance.

GeneDx
Classification: Uncertain significance. Last evaluated: 2025-06-10. Review status: criteria provided, single submitter. Criteria: GeneDx Variant Classification Process June 2021. Collection method: clinical testing. Allele origin: germline. Affected: yes.
Comment: Not observed at significant frequency in large population cohorts (gnomAD); Has not been previously published as pathogenic or benign to our knowledge; In silico analysis is inconclusive as to whether the variant alters gene splicing. In the absence of RNA/functional studies, the actual effect of this sequence change is unknown